The following is an entry in ClinVar:

NM_001098671.2(RASGRP2):c.1478G>C (p.Gly493Ala)

Gene: RASGRP2 (RAS guanyl releasing protein 2; minus strand). Cytogenetic location: 11q13.1.
Variant type: single nucleotide variant.
Coding change: c.1478G>C on transcript NM_001098671.2 (MANE Select); coding-DNA position 1478, G replaced by C.
Protein change: p.Gly493Ala; replaces glycine 493 with alanine.
Molecular consequence: missense variant.
Genome position (GRCh38, 1-based): chr11:64,730,129, C>G on the plus strand (G>C on the coding strand, the complement: RASGRP2 is on the minus strand). VCF-style: chr11-64730129-C-G. GRCh37 (hg19) VCF-style: chr11-64497601-C-G.
Other names: c.1478G>C, p.Gly493Ala (NM_001098670.2, NM_001440690.1, NM_001440691.1 and 9 more transcripts); c.1043G>C, p.Gly348Ala (NM_001318398.2); c.1475G>C, p.Gly492Ala (NM_001440700.1, NM_001440701.1, NM_001440702.1); c.1565G>C, p.Gly522Ala (NM_001440703.1, NM_001440704.1); c.1562G>C, p.Gly521Ala (NM_001440705.1); short protein forms G493A, G522A, G348A, G492A, G521A.
Identifiers: ClinVar variation 4755266 (VCV004755266.1).

ClinVar aggregate classification (germline): Uncertain significance (1 of 4 stars; one submission).

gnomAD v4.1: 369 of 1,551,334 alleles (0.024%); highest among the groups gnomAD compares: East Asian, 0.88%; 3 homozygotes.

Submission:

Labcorp Genetics (formerly Invitae), Labcorp
Classification: Uncertain significance. Last evaluated: 2025-04-24. Review status: criteria provided, single submitter. Criteria: Invitae Variant Classification Sherloc (09022015). Collection method: clinical testing. Allele origin: germline.
Comment: This sequence change replaces glycine, which is neutral and non-polar, with alanine, which is neutral and non-polar, at codon 493 of the RASGRP2 protein (p.Gly493Ala). This variant is present in population databases (rs2301562, gnomAD 0.08%). This variant has not been reported in the literature in individuals affected with RASGRP2-related conditions. Invitae Evidence Modeling of protein sequence and biophysical properties (such as structural, functional, and spatial information, amino acid conservation, physicochemical variation, residue mobility, and thermodynamic stability) indicates that this missense variant is not expected to disrupt RASGRP2 protein function with a negative predictive value of 80%. In summary, the available evidence is currently insufficient to determine the role of this variant in disease. Therefore, it has been classified as a Variant of Uncertain Significance.